The following is an entry in ClinVar:

ClinVar aggregate classification (germline): Benign/Likely benign. Review status: criteria provided, multiple submitters, no conflicts (2 of 4 stars). 3 submissions from 3 submitters: Benign (1); Likely benign (2). Last evaluated 2025-05-12.

Conditions:
Hereditary cancer-predisposing syndrome. Also called: Hereditary Cancer Syndrome; Tumor predisposition; Neoplastic Syndromes, Hereditary; Hereditary neoplastic syndrome. Identifiers: Orphanet 140162, MedGen C0027672, MeSH D009386, MONDO:0015356.
Tuberous sclerosis 2 (TSC2). Identifiers: Orphanet 805, MedGen C1860707, MONDO:0013199, OMIM 613254.

gnomAD v4.1: 1 of 1,588,628 alleles (0.000063%); highest among the groups gnomAD compares: South Asian, 0.0011%; no homozygotes.

Submissions (3):

Myriad Genetics, Inc.
Classification: Benign for Tuberous sclerosis 2. Last evaluated: 2025-05-12. Review status: criteria provided, single submitter. Criteria: Myriad Autosomal Dominant, Autosomal Recessive and X-Linked Classification Criteria (2023). Collection method: clinical testing. Allele origin: unknown.
Comment: This variant is considered benign. This variant is a silent/synonymous amino acid change and it is not expected to impact splicing.

Labcorp Genetics (formerly Invitae), Labcorp
Classification: Likely benign for Tuberous sclerosis 2. Last evaluated: 2025-04-27. Review status: criteria provided, single submitter. Criteria: Invitae Variant Classification Sherloc (09022015). Collection method: clinical testing. Allele origin: germline.

Ambry Genetics
Classification: Likely benign for Hereditary cancer-predisposing syndrome. Last evaluated: 2020-03-20. Review status: criteria provided, single submitter. Criteria: Ambry Variant Classification Scheme 2023. Collection method: clinical testing. Allele origin: germline.

NM_000548.5(TSC2):c.870C>T (p.Pro290=)

Gene: TSC2 (TSC complex subunit 2; plus strand). Cytogenetic location: 16p13.3.
Variant type: single nucleotide variant.
Coding change: c.870C>T on transcript NM_000548.5 (MANE Select); coding-DNA position 870, C replaced by T.
Protein change: p.Pro290=; no amino-acid change (proline 290 retained).
Molecular consequence: synonymous variant.
Genome position (GRCh38, 1-based): chr16:2,058,768, C>T. VCF-style: chr16-2058768-C-T. GRCh37 (hg19) VCF-style: chr16-2108769-C-T.
Other names: c.870C>T, p.Pro290= (NM_001077183.3, NM_001114382.3, NM_001363528.2 and 3 more transcripts); c.759C>T, p.Pro253= (NM_001318827.2); c.723C>T, p.Pro241= (NM_001318829.2); c.270C>T, p.Pro90= (NM_001318831.2); c.903C>T, p.Pro301= (NM_001318832.2).
Identifiers: ClinVar variation 1594258 (VCV001594258.11), dbSNP rs1166082765, ClinGen allele CA492959589.